The following is an entry in ClinVar:

ClinVar aggregate classification (germline): Uncertain significance (1 of 4 stars; one submission).

Conditions:
Inflammatory bowel disease. Identifiers: Orphanet 104012, MedGen C0021390, MONDO:0005265.

Allele frequency attached by ClinVar (database versions not stated): gnomAD exomes below 0.00001; ExAC 0.00001.
gnomAD v4.1: 1 of 1,614,188 alleles (0.000062%); highest among the groups gnomAD compares: South Asian, 0.0011%; no homozygotes.

Submission:

Labcorp Genetics (formerly Invitae), Labcorp
Classification: Uncertain significance for Inflammatory bowel disease. Last evaluated: 2022-04-11. Review status: criteria provided, single submitter. Criteria: Invitae Variant Classification Sherloc (09022015). Collection method: clinical testing. Allele origin: germline.
Comment: This sequence change replaces threonine, which is neutral and polar, with isoleucine, which is neutral and non-polar, at codon 31 of the IL10 protein (p.Thr31Ile). This variant is present in population databases (rs752491913, gnomAD 0.003%). This variant has not been reported in the literature in individuals affected with IL10-related conditions. Algorithms developed to predict the effect of missense changes on protein structure and function output the following: SIFT: "Tolerated"; PolyPhen-2: "Benign"; Align-GVGD: "Class C0". The isoleucine amino acid residue is found in multiple mammalian species, which suggests that this missense change does not adversely affect protein function. In summary, the available evidence is currently insufficient to determine the role of this variant in disease. Therefore, it has been classified as a Variant of Uncertain Significance.

NM_000572.3(IL10):c.92C>T (p.Thr31Ile)

Genes: IL10 (interleukin 10; minus strand), IL19 (interleukin 19; plus strand), LOC128462409 (CRISPRi-FlowFISH-validated IL10 regulatory element GRCh37_chr1:206945468-206946089; plus strand). Cytogenetic location: 1q32.1.
Variant type: single nucleotide variant.
Coding change: c.92C>T on transcript NM_000572.3 (MANE Select); coding-DNA position 92, C replaced by T.
Protein change: p.Thr31Ile; replaces threonine 31 with isoleucine.
Molecular consequence: missense variant. On other transcripts: non-coding transcript variant (1), intron variant (2).
Genome position (GRCh38, 1-based): chr1:206,772,344, G>A on the plus strand (C>T on the coding strand, the complement: IL10 is on the minus strand). VCF-style: chr1-206772344-G-A. GRCh37 (hg19) VCF-style: chr1-206945689-G-A.
Other names: c.-149+1266G>A (NM_153758.5); c.-149+1514G>A (NM_001393490.1); short protein forms T31I.
Identifiers: ClinVar variation 2120422 (VCV002120422.2), dbSNP rs752491913, ClinGen allele CA1363847.